The following is an entry in ClinVar:

NM_001384474.1(LOXHD1):c.5932G>A (p.Asp1978Asn)

Gene: LOXHD1 (lipoxygenase homology PLAT domains 1; minus strand). Cytogenetic location: 18q21.1.
Variant type: single nucleotide variant.
Coding change: c.5932G>A on transcript NM_001384474.1 (MANE Select); coding-DNA position 5932, G replaced by A.
Protein change: p.Asp1978Asn; replaces aspartic acid 1978 with asparagine.
Molecular consequence: missense variant.
Genome position (GRCh38, 1-based): chr18:46,489,089, C>T on the plus strand (G>A on the coding strand, the complement: LOXHD1 is on the minus strand). VCF-style: chr18-46489089-C-T. GRCh37 (hg19) VCF-style: chr18-44069052-C-T.
Other names: c.2599G>A, p.Asp867Asn (NM_001145472.3); c.649G>A, p.Asp217Asn (NM_001145473.3, NM_001173129.2); c.2311G>A, p.Asp771Asn (NM_001308013.2); c.5746G>A, p.Asp1916Asn (NM_144612.7); short protein forms D1916N, D1978N, D217N, D771N, D867N.
Identifiers: ClinVar variation 3605609 (VCV003605609.2).

ClinVar aggregate classification (germline): Uncertain significance (1 of 4 stars; one submission).

gnomAD v4.1: 13 of 1,551,562 alleles (0.00084%); highest among the groups gnomAD compares: African/African-American, 0.015%; no homozygotes.

Submission:

Labcorp Genetics (formerly Invitae), Labcorp
Classification: Uncertain significance. Last evaluated: 2025-01-15. Review status: criteria provided, single submitter. Criteria: Invitae Variant Classification Sherloc (09022015). Collection method: clinical testing. Allele origin: germline.
Comment: This sequence change replaces aspartic acid, which is acidic and polar, with asparagine, which is neutral and polar, at codon 1916 of the LOXHD1 protein (p.Asp1916Asn). This variant is present in population databases (rs779595153, gnomAD 0.03%). This variant has not been reported in the literature in individuals affected with LOXHD1-related conditions. An algorithm developed to predict the effect of missense changes on protein structure and function (PolyPhen-2) suggests that this variant is likely to be disruptive. In summary, the available evidence is currently insufficient to determine the role of this variant in disease. Therefore, it has been classified as a Variant of Uncertain Significance.